The following is an entry in ClinVar:

NM_005215.4(DCC):c.1060G>A (p.Val354Ile)

Gene: DCC (DCC netrin 1 receptor; plus strand). Cytogenetic location: 18q21.2.
Variant type: single nucleotide variant.
Coding change: c.1060G>A on transcript NM_005215.4 (MANE Select); coding-DNA position 1060, G replaced by A.
Protein change: p.Val354Ile; replaces valine 354 with isoleucine.
Molecular consequence: missense variant.
Genome position (GRCh38, 1-based): chr18:53,063,379, G>A. VCF-style: chr18-53063379-G-A. GRCh37 (hg19) VCF-style: chr18-50589749-G-A.
Other names: short protein forms V354I.
Identifiers: ClinVar variation 1306650 (VCV001306650.2), dbSNP rs1599086646, ClinGen allele CA402517007.
Genomic context (GRCh38, chr18:53,063,379, plus strand): 5'-TTAAATCATCCTTCCAACCTGTATGCCTATGAAAGCATGGATATTGAGTTTGAATGTACA[G>A]TCTCTGGAAAGCCTGTGCCCACTGTGAATTGGATGAAGAATGGAGATGTGGTCATTCCTA-3'
Protein context (NP_005206.2, residues 344-364): ESMDIEFECT[Val354Ile]SGKPVPTVNW

ClinVar aggregate classification (germline): Uncertain significance (1 of 4 stars; one submission).

Allele frequency attached by ClinVar (database versions not stated): gnomAD 0.00001; gnomAD exomes 0.00001.

Submission:

GeneDx
Classification: Uncertain significance. Last evaluated: 2019-07-05. Review status: criteria provided, single submitter. Criteria: GeneDx Variant Classification Process June 2021. Collection method: clinical testing. Allele origin: germline. Affected: yes.
Comment: Not observed in large population cohorts (Lek et al., 2016); In silico analysis, which includes protein predictors and evolutionary conservation, supports that this variant does not alter protein structure/function; Has not been previously published as pathogenic or benign to our knowledge